The following is an entry in ClinVar:

ClinVar aggregate classification (germline): Pathogenic (1 of 4 stars; one submission).

Conditions:
Asphyxiating thoracic dystrophy 3. Also called: SHORT-RIB THORACIC DYSPLASIA 3 WITH OR WITHOUT POLYDACTYLY; POLYDACTYLY WITH NEONATAL CHONDRODYSTROPHY, TYPE I; SHORT-RIB THORACIC DYSPLASIA 3/6 WITH POLYDACTYLY, DIGENIC; Short rib polydactyly syndrome 2B; Saldino-Noonan Syndrome. Identifiers: Orphanet 474, Orphanet 93269, Orphanet 93270, Orphanet 93271, MedGen C0036069, MONDO:0013127, OMIM 613091.

gnomAD v4.1: 1 of 1,551,454 alleles (0.000064%); highest among the groups gnomAD compares: Non-Finnish European, 0.000087%; no homozygotes.

Submission:

Myriad Genetics, Inc.
Classification: Pathogenic for Asphyxiating thoracic dystrophy 3. Last evaluated: 2025-12-20. Review status: criteria provided, single submitter. Criteria: Myriad Autosomal Dominant, Autosomal Recessive and X-Linked Classification Criteria (2023). Collection method: clinical testing. Allele origin: unknown.
Comment: NM_001377.2(DYNC2H1):c.3174G>A(W1058*) is expected to be pathogenic in the context of DYNC2H1-related disorders. This variant is predicted to lead to an abnormal or absent protein product due to the creation of a premature termination codon in DYNC2H1, a gene where loss-of-function variants are known to be pathogenic. Please note: this variant was assessed in the context of healthy population screening.

NM_001377.3(DYNC2H1):c.3174G>A (p.Trp1058Ter)

Gene: DYNC2H1 (dynein cytoplasmic 2 heavy chain 1; plus strand). Cytogenetic location: 11q22.3.
Variant type: single nucleotide variant.
Coding change: c.3174G>A on transcript NM_001377.3 (MANE Select); coding-DNA position 3174, G replaced by A.
Protein change: p.Trp1058Ter; replaces tryptophan 1058 with a stop codon.
Molecular consequence: nonsense.
Genome position (GRCh38, 1-based): chr11:103,153,380, G>A. VCF-style: chr11-103153380-G-A. GRCh37 (hg19) VCF-style: chr11-103024109-G-A.
Other names: c.3174G>A, p.Trp1058Ter (NM_001080463.2); short protein forms W1058*.
Identifiers: ClinVar variation 5015349 (VCV005015349.1).